The following continues an entry in ClinVar:

NM_000402.4(G6PD):c.934G>C (p.Asp312His)

Gene: G6PD. ClinVar aggregate classification (germline): Pathogenic/Likely pathogenic. Pathogenic (24); Likely pathogenic (2).

Submissions 9 to 22 of 29:

Blueprint Genetics
Classification: Pathogenic for G6PD-related disorders. Last evaluated: 2024-11-26. Review status: criteria provided, single submitter. Criteria: ACMG Guidelines, 2015. Collection method: clinical testing. Allele origin: germline. Affected: yes. Observed: 5 variant alleles.

Baylor Genetics
Classification: Pathogenic for Malaria, susceptibility to. Last evaluated: 2024-03-26. Review status: criteria provided, single submitter. Criteria: ACMG Guidelines, 2015. Collection method: clinical testing. Allele origin: unknown.

Rady Children's Institute for Genomic Medicine, Rady Children's Hospital San Diego
Classification: Pathogenic for ANEMIA, NONSPHEROCYTIC HEMOLYTIC, DUE TO G6PD DEFICIENCY. Last evaluated: 2024-03-18. Review status: criteria provided, single submitter. Criteria: ACMG Guidelines, 2015. Collection method: clinical testing. Allele origin: germline. Affected: yes.
Comment: This variant, sometimes referred to in the literature as c.844G>C (p.Asp282His), the Seattle, Seattle-like, Lodi, Modena, Athens-like or Ferarra II variant, has been previously reported in multiple individuals with G6PD deficiency (PMID: 2912069, 28902532). Functional studies demonstrate that this variant leads to a partial reduction in G6PD activity, reduced substrate affinity, and loss of protein stability (PMID: 7806085, 7947239, 7947250, 30096395), consistent with a class III or moderate severity variant (PMID: 16225031). The c.934G>C (p.Asp312His) variant is present in the gnomAD population database at a frequency of 0.069% (142/205264) including 53 hemizygotes. It affects a highly conserved amino acid and is predicted by multiple in silico tools to have a deleterious effect on protein function. Based on the available evidence, c.934G>C (p.Asp312His) is classified as Pathogenic.

Women's Health and Genetics/Laboratory Corporation of America, LabCorp
Classification: Pathogenic for G6PD deficiency. Last evaluated: 2023-11-16. Review status: criteria provided, single submitter. Criteria: LabCorp Variant Classification Summary - May 2015. Collection method: clinical testing. Allele origin: germline.
Comment: Variant summary: G6PD c.934G>C (p.Asp312His) results in a non-conservative amino acid change located in the C-terminal domain (IPR022675) of the encoded protein sequence. Five of five in-silico tools predict a damaging effect of the variant on protein function. The variant allele was found at a frequency of 0.0007 in 183239 control chromosomes. This frequency is not higher than the estimated maximum expected for a pathogenic variant in G6PD causing Glucose 6 Phosphate Dehydrogenase Deficiency (0.29), allowing no conclusion about variant significance. The variant, c.934G>C (aka. c.844G>C (p.D282H), G6PD Seattle-like, Ferrara II, Modena, Athens-like and Lodi), has been reported in the literature in numerous individuals affected with Glucose 6 Phosphate Dehydrogenase Deficiency (e.g. DeVita_1989, Frigerio_1994, Alfinito_1994, diMontemuros_1997), including at least one case of an affected (hemizygous) male and heterozygous mother with decreased enzyme activity. These data indicate that the variant is very likely to be associated with disease. Several publications report experimental evidence evaluating an impact on protein function, and demonstrated decreased enzyme activity in hemizygous samples (~20 % of normal) as well as in in vitro expression systems (e.g. DeVita_1989, Frigerio_1994, Cappellini_1994, Cortes-Morales_2018, Alfinito_1994). The following publications have been ascertained in the context of this evaluation (PMID: 7806085, 30096395, 2912069, 7947250, 7947239, 9299858). 12 submitters have cited clinical-significance assessments for this variant to ClinVar after 2014. Based on the evidence outlined above, the variant was classified as pathogenic.

Clinical Genetics Laboratory, Skane University Hospital Lund
Classification: Pathogenic. Last evaluated: 2023-06-19. Review status: criteria provided, single submitter. Criteria: ACMG Guidelines, 2015. Collection method: clinical testing. Allele origin: germline. Affected: yes.

GeneDx
Classification: Pathogenic. Last evaluated: 2022-11-23. Review status: criteria provided, single submitter. Criteria: GeneDx Variant Classification Process June 2021. Collection method: clinical testing. Allele origin: germline. Affected: yes.
Comment: Published functional studies demonstrate that this variant reduces enzyme activity to 20% of wild type enzyme, and is associated with a mild form of G6PD deficiency (De Vita et al., 1989); This variant is associated with the following publications: (PMID: 2912069, 26990548, 30096395, 31681265, 7806085, 7947250, 8807321, 5305539, 7947239, 5770172, 4974311, 9299858, 34426522, 28902532, 35725860)

Dunham Lab, University of Washington
Classification: Pathogenic for Anemia, nonspherocytic hemolytic, due to G6PD deficiency. Last evaluated: 2022-08-12. Review status: criteria provided, single submitter. Criteria: Bayesian ACMG Guidelines, 2018. Collection method: curation. Allele origin: maternal. Affected: yes.
Comment: Variant found in unrelated hemizygotes with deficiency, some with anemia, favism, and jaundice (PS4_M, PP4). In one family, hemizygous brothers have deficiency and heterozygous mother has decreased G6PD activity (PP1). Decreased activity in red blood cells (3-45%) and when expressed in E. coli (PS3). Predicted to be damaging by SIFT, probably damaging by PolyPhen (PP3). Below expected carrier frequency in gnomAD (PM2). Reported as pathogenic by multiple clinical testing groups (PP5). Post_P 0.999 (odds of pathogenicity 6563, Prior_P 0.1).

Mendelics
Classification: Pathogenic for Anemia, nonspherocytic hemolytic, due to G6PD deficiency. Last evaluated: 2022-05-04. Review status: criteria provided, single submitter. Criteria: Mendelics Assertion Criteria 2019. Collection method: clinical testing. Allele origin: germline.

Department of Pathology and Laboratory Medicine, Sinai Health System
Classification: Pathogenic for Anemia, nonspherocytic hemolytic, due to G6PD deficiency. Last evaluated: 2021-07-30. Review status: criteria provided, single submitter. Criteria: ACMG Guidelines, 2015. Collection method: research. Allele origin: germline.

UNC Molecular Genetics  Laboratory, University of North Carolina at Chapel Hill
Classification: Pathogenic for Anemia, nonspherocytic hemolytic, due to G6PD deficiency. Last evaluated: 2021-06-20. Review status: criteria provided, single submitter. Criteria: ACMG Guidelines, 2015. Collection method: research. Allele origin: unknown. Observed: 1 variant allele. Study: CSER_NCGENES_2.
Comment: G6PD c.844G>C p.(Asp282His) is a missense variant which is predicted to change a single amino acid in the encoded protein from aspartic acid to histidine. This variant is present in gnomAD v2.1.1 with a global minor allele frequency of: 0.07% (142 alleles/205,264 alleles, 53 hemizygotes, 0 homozygotes). Commonly known as the Seattle variant (as well as Seattle-like, Athens-like, Lodi, Ferrara II or Modena), this variant has been observed repeatedly in individuals with glucose-6-phosphate dehydrogenase (G6PD) deficiency in the literature and was reported to segregate with disease in affected family members (PMIDs 5305539, 7806085, 7705842, 8807321, 9299858, 10782016). In the hemizygous and heterozygous state, this variant is associated wtih mild to moderate G6PD deficiency (10-60% of normal G6PD activity) with intermittent hemolysis and is classified by the World Health Organization as a Class III variant (PMID 7705842).

Mayo Clinic Laboratories, Mayo Clinic
Classification: Pathogenic. Last evaluated: 2020-12-21. Review status: criteria provided, single submitter. Criteria: ACMG Guidelines, 2015. Collection method: clinical testing. Allele origin: germline. Observed: 2 variant alleles.

Institute of Medical Genetics and Applied Genomics, University Hospital Tübingen
Classification: Pathogenic. Last evaluated: 2020-10-23. Review status: criteria provided, single submitter. Criteria: ACMG Guidelines, 2015. Collection method: clinical testing. Allele origin: germline. Inheritance: X-linked dominant inheritance. Affected: yes.

Fulgent Genetics
Classification: Pathogenic for Anemia, nonspherocytic hemolytic, due to G6PD deficiency; Malaria, susceptibility to. Last evaluated: 2018-10-31. Review status: criteria provided, single submitter. Criteria: ACMG Guidelines, 2015. Collection method: clinical testing. Allele origin: unknown.

ARUP Laboratories, Molecular Genetics and Genomics, ARUP Laboratories
Classification: Pathogenic. Last evaluated: 2017-08-01. Review status: criteria provided, single submitter. Criteria: ARUP Molecular Germline Variant Investigation Process. Collection method: clinical testing. Allele origin: germline.
Comment: The G6PD c.844G>C; p.Asp282His variant (rs137852318), also known as G6PD Seattle/Ferrara II/Modena/Athens-like, has been reported in multiple individuals in the Mediterranean region with G6PD deficiency (Cappellini 1994, Cappellini 1995, De Vita 1989, Frigerio 1994, Lenzerini 1969, Rattazzi 1969). Functional characterization indicates enzymatic activity ranging from 15 to 25 percent of wildtype (Cappellini 1994, Cappellini 1995, De Vita 1989, Frigerio 1994, Lenzerini 1969, Rattazzi 1969), consistent with a class III variant (WHO working group 1989). The variant is listed as pathogenic in ClinVar (Variation ID: 10372), and observed in the general population databases at a frequency of 0.07% (143/200329 alleles, including 52 hemizygotes) in the Genome Aggregation Database. The aspartate at codon 282 is moderately conserved, and computational algorithms (Mutation Taster, PolyPhen-2, SIFT) predict that the variant has an impact on the protein. Based on the available information, this variant is classified as pathogenic. REFERENCES Cappellini M et al. Biochemical and molecular characterization of a new sporadic glucose-6-phosphate dehydrogenase variant described in Italy: G6PD Modena. Br J Haematol. 1994; 87(1):209-11. Cappellini M et al. Molecular characterisation of the glucose-6-phosphate dehydrogenase (G6PD) Ferrara II variant. Hum Genet. 1995; 95(4):440-2. De Vita G et al. Two point mutations are responsible for G6PD polymorphism in Sardinia. Am J Hum Genet. 1989; 44(2):233-40. Frigerio R et al. Molecular and biochemical data on some glucose-6-phosphate dehydrogenase variants from southern Sardinia. Haematologica. 1994; 79(4):319-21. Lenzerin L et al. Characterization of glucose-6-phosphate dehydrogenase variants. I. Occurrence of a G6PD Seattle-like variant in Sardinia and its interaction with the G6PD Mediterranean variant. Am J Hum Genet. 1969; 21(2):142-53. Rattazzi M et al. Characterization of glucose-6-phosphate dehydrogenase variants. II. G6PD Kephalonia, G6PD Attica, and G6PD Seattle-like" found in Greece. Am J Hum Genet. 1969; 21(2):154-67. WHO working group. Glucose-6-phosphate dehydrogenase deficiency. Bull World Health Organ. 1989; 67(6):601-11. "